The following is an entry in ClinVar:

NM_152296.5(ATP1A3):c.535G>C (p.Asp179His)

Gene: ATP1A3 (ATPase Na+/K+ transporting subunit alpha 3; minus strand). Cytogenetic location: 19q13.2.
Variant type: single nucleotide variant.
Coding change: c.535G>C on transcript NM_152296.5 (MANE Select); coding-DNA position 535, G replaced by C.
Protein change: p.Asp179His; replaces aspartic acid 179 with histidine.
Molecular consequence: missense variant.
Genome position (GRCh38, 1-based): chr19:41,985,935, C>G on the plus strand (G>C on the coding strand, the complement: ATP1A3 is on the minus strand). VCF-style: chr19-41985935-C-G. GRCh37 (hg19) VCF-style: chr19-42490087-C-G.
Other names: c.568G>C, p.Asp190His (NM_001256213.2); c.574G>C, p.Asp192His (NM_001256214.2); short protein forms D179H, D190H, D192H.
Identifiers: ClinVar variation 4531186 (VCV004531186.1).

ClinVar aggregate classification (germline): Uncertain significance (1 of 4 stars; one submission).

Conditions:
Nystagmus. Identifiers: MedGen C0028738, MONDO:0004843, HP:0000639.
Ataxia. Identifiers: MedGen C0004134, HP:0001251.

Submission:

Clinical Genetics Laboratory, Skane University Hospital Lund
Classification: Uncertain significance for Ataxia; Nystagmus. Last evaluated: 2025-11-27. Review status: criteria provided, single submitter. Criteria: ACMG Guidelines, 2015. Collection method: clinical testing. Allele origin: germline. Affected: yes.
Comment: ACMG criteria used: PM2. PP2 and PP3.